The following is an entry in ClinVar:

ClinVar aggregate classification (germline): Uncertain significance. Review status: criteria provided, multiple submitters, no conflicts (2 of 4 stars). 2 submissions from 2 submitters: Uncertain significance (2). Last evaluated 2024-07-30.

Conditions:
Hereditary hyperekplexia. Identifiers: Orphanet 3197, MedGen C4084968, MONDO:0021022.

gnomAD v4.1: 1 of 1,613,990 alleles (0.000062%); no homozygotes.

Submissions (2):

GeneDx
Classification: Uncertain significance. Last evaluated: 2024-07-30. Review status: criteria provided, single submitter. Criteria: GeneDx Variant Classification Process June 2021. Collection method: clinical testing. Allele origin: germline. Affected: yes.
Comment: Not observed at significant frequency in large population cohorts (gnomAD); In silico analysis supports that this missense variant has a deleterious effect on protein structure/function; Has not been previously published as pathogenic or benign to our knowledge

Labcorp Genetics (formerly Invitae), Labcorp
Classification: Uncertain significance for Hereditary hyperekplexia. Last evaluated: 2024-02-04. Review status: criteria provided, single submitter. Criteria: Invitae Variant Classification Sherloc (09022015). Collection method: clinical testing. Allele origin: germline.
Comment: This sequence change replaces proline, which is neutral and non-polar, with threonine, which is neutral and polar, at codon 38 of the GLRA1 protein (p.Pro38Thr). This variant is not present in population databases (gnomAD no frequency). This variant has not been reported in the literature in individuals affected with GLRA1-related conditions. Advanced modeling of protein sequence and biophysical properties (such as structural, functional, and spatial information, amino acid conservation, physicochemical variation, residue mobility, and thermodynamic stability) has been performed at Invitae for this missense variant, however the output from this modeling did not meet the statistical confidence thresholds required to predict the impact of this variant on GLRA1 protein function. In summary, the available evidence is currently insufficient to determine the role of this variant in disease. Therefore, it has been classified as a Variant of Uncertain Significance.

NM_000171.4(GLRA1):c.112C>A (p.Pro38Thr)

Gene: GLRA1 (glycine receptor alpha 1; minus strand). Cytogenetic location: 5q33.1.
Variant type: single nucleotide variant.
Coding change: c.112C>A on transcript NM_000171.4 (MANE Select); coding-DNA position 112, C replaced by A.
Protein change: p.Pro38Thr; replaces proline 38 with threonine.
Molecular consequence: missense variant. On other transcripts: intron variant (1).
Genome position (GRCh38, 1-based): chr5:151,892,383, G>T on the plus strand (C>A on the coding strand, the complement: GLRA1 is on the minus strand). VCF-style: chr5-151892383-G-T. GRCh37 (hg19) VCF-style: chr5-151271944-G-T.
Other names: c.112C>A, p.Pro38Thr (NM_001146040.2); c.-65-5595C>A (NM_001292000.2); short protein forms P38T.
Identifiers: ClinVar variation 3602212 (VCV003602212.3).